The following is an entry in ClinVar:

NM_006031.6(PCNT):c.1275C>T (p.Ser425=)

Gene: PCNT (pericentrin; plus strand). Cytogenetic location: 21q22.3.
Variant type: single nucleotide variant.
Coding change: c.1275C>T on transcript NM_006031.6 (MANE Select); coding-DNA position 1275, C replaced by T.
Protein change: p.Ser425=; no amino-acid change (serine 425 retained).
Molecular consequence: synonymous variant.
Genome position (GRCh38, 1-based): chr21:46,349,751, C>T. VCF-style: chr21-46349751-C-T. GRCh37 (hg19) VCF-style: chr21-47769665-C-T.
Other names: c.1275C>T (NM_006031.5); c.921C>T, p.Ser307= (NM_001315529.2).
Identifiers: ClinVar variation 2889286 (VCV002889286.6), dbSNP rs147706241, ClinGen allele CA10078564.

ClinVar aggregate classification (germline): Likely benign. Review status: criteria provided, multiple submitters, no conflicts (2 of 4 stars). 3 submissions from 3 submitters: Likely benign (2). 1 of the submissions does not count toward it. Last evaluated 2024-03-04.

Conditions:
PCNT-related disorder. Also called: PCNT-related condition.

Allele frequency attached by ClinVar (database versions not stated): ExAC 0.00002; gnomAD exomes 0.00002; TOPMed 0.00004; gnomAD 0.00007; ESP Exome Variant Server 0.00008.

Submissions (3):

Labcorp Genetics (formerly Invitae), Labcorp
Classification: Likely benign. Last evaluated: 2024-03-04. Review status: criteria provided, single submitter. Criteria: Invitae Variant Classification Sherloc (09022015). Collection method: clinical testing. Allele origin: germline.

Blueprint Genetics
Classification: Likely benign. Last evaluated: 2023-09-14. Review status: criteria provided, single submitter. Criteria: ACMG Guidelines, 2015. Collection method: clinical testing. Allele origin: germline.

PreventionGenetics, part of Exact Sciences
Classification: Likely benign for PCNT-related condition. Last evaluated: 2021-09-28. Review status: no assertion criteria provided. Collection method: clinical testing. Allele origin: germline. Not counted in ClinVar's aggregate classification.
Comment: This variant is classified as likely benign based on ACMG/AMP sequence variant interpretation guidelines (Richards et al. 2015 PMID: 25741868, with internal and published modifications).